The following is an entry in ClinVar:

ClinVar aggregate classification (germline): Uncertain significance (1 of 4 stars; one submission).

Allele frequency attached by ClinVar (database versions not stated): TOPMed 0.00002; gnomAD 0.00003; 1000 Genomes Project 30x 0.00016; 1000 Genomes Project 0.00020.
gnomAD v4.1: 253 of 1,613,896 alleles (0.016%); highest among the groups gnomAD compares: Non-Finnish European, 0.021%; no homozygotes.

Submission:

Labcorp Genetics (formerly Invitae), Labcorp
Classification: Uncertain significance. Last evaluated: 2023-12-22. Review status: criteria provided, single submitter. Criteria: Invitae Variant Classification Sherloc (09022015). Collection method: clinical testing. Allele origin: germline.
Comment: This sequence change replaces glutamine, which is neutral and polar, with histidine, which is basic and polar, at codon 1153 of the PCLO protein (p.Gln1153His). This variant is present in population databases (rs540681556, gnomAD 0.008%). This variant has not been reported in the literature in individuals affected with PCLO-related conditions. ClinVar contains an entry for this variant (Variation ID: 1439028). Algorithms developed to predict the effect of missense changes on protein structure and function output the following: SIFT: "Not Available"; PolyPhen-2: "Not Available"; Align-GVGD: "Not Available". The histidine amino acid residue is found in multiple mammalian species, which suggests that this missense change does not adversely affect protein function. In summary, the available evidence is currently insufficient to determine the role of this variant in disease. Therefore, it has been classified as a Variant of Uncertain Significance.

NM_033026.6(PCLO):c.3459A>C (p.Gln1153His)

Gene: PCLO (piccolo presynaptic cytomatrix protein; minus strand). Cytogenetic location: 7q21.11.
Variant type: single nucleotide variant.
Coding change: c.3459A>C on transcript NM_033026.6 (MANE Select); coding-DNA position 3459, A replaced by C.
Protein change: p.Gln1153His; replaces glutamine 1153 with histidine.
Molecular consequence: missense variant.
Genome position (GRCh38, 1-based): chr7:82,966,329, T>G on the plus strand (A>C on the coding strand, the complement: PCLO is on the minus strand). VCF-style: chr7-82966329-T-G. GRCh37 (hg19) VCF-style: chr7-82595645-T-G.
Other names: c.3459A>C, p.Gln1153His (NM_014510.3); short protein forms Q1153H.
Identifiers: ClinVar variation 1439028 (VCV001439028.4), dbSNP rs540681556, ClinGen allele CA4321031.